The following is an entry in ClinVar:

ClinVar aggregate classification (germline): Conflicting classifications of pathogenicity. Review status: criteria provided, conflicting classifications (1 of 4 stars). 3 submissions from 3 submitters: Likely pathogenic (2); Uncertain significance (1). Last evaluated 2025-12-25.

Conditions:
Epilepsy, early-onset, vitamin B6-dependent. Also called: PLPBP Deficiency; EPILEPSY, EARLY-ONSET, 1, VITAMIN B6-DEPENDENT. Identifiers: MedGen C4310632, MONDO:0015005, OMIM 617290.

Allele frequency attached by ClinVar (database versions not stated): gnomAD 0.00001; gnomAD exomes 0.00001; TOPMed 0.00001.
gnomAD v4.1: 11 of 1,614,086 alleles (0.00068%); highest among the groups gnomAD compares: African/African-American, 0.0027%; no homozygotes.

Submissions (3):

3billion
Classification: Likely pathogenic for Epilepsy, early-onset, vitamin B6-dependent. Last evaluated: 2025-12-25. Review status: criteria provided, single submitter. Criteria: ACMG Guidelines, 2015. Collection method: clinical testing. Allele origin: germline. Affected: yes.
Comment: The variant is observed at an extremely low frequency in the gnomAD v4.1.0 dataset (total allele frequency: <0.001%). Predicted Consequence/Location: Missense variant In silico tool predictions suggest damaging effect of the variant on gene or gene product [REVEL: 0.78 (>=0.6, sensitivity 0.68 and specificity 0.92); 3Cnet: 0.99 (> 0.75, sensitivity 0.96 and precision 0.92)]. The same nucleotide change resulting in the same amino acid change has been previously reported as pathogenic/likely pathogenic with strong evidence (ClinVar ID: VCV002159457 /PMID: 30525118 /3billion dataset). The variant has been reported to be in trans with a pathogenic variant as either compound heterozygous or homozygous in at least one similarly affected unrelated individual (PMID: 30525118). Therefore, this variant is classified as Likely pathogenic according to the recommendation of ACMG/AMP guideline.

GeneDx
Classification: Likely pathogenic. Last evaluated: 2023-06-09. Review status: criteria provided, single submitter. Criteria: GeneDx Variant Classification Process June 2021. Collection method: clinical testing. Allele origin: germline. Affected: yes.
Comment: Not observed at significant frequency in large population cohorts (gnomAD); In silico analysis supports that this missense variant has a deleterious effect on protein structure/function; This variant is associated with the following publications: (PMID: 30668673, 30525118)

Labcorp Genetics (formerly Invitae), Labcorp
Classification: Uncertain significance. Last evaluated: 2022-01-15. Review status: criteria provided, single submitter. Criteria: Invitae Variant Classification Sherloc (09022015). Collection method: clinical testing. Allele origin: germline.
Comment: In summary, the available evidence is currently insufficient to determine the role of this variant in disease. Therefore, it has been classified as a Variant of Uncertain Significance. This sequence change replaces glutamic acid, which is acidic and polar, with lysine, which is basic and polar, at codon 67 of the PROSC protein (p.Glu67Lys). This variant is present in population databases (no rsID available, gnomAD 0.0009%). This missense change has been observed in individual(s) with clinical features of PROSC-related conditions (PMID: 30525118). Algorithms developed to predict the effect of missense changes on protein structure and function (SIFT, PolyPhen-2, Align-GVGD) all suggest that this variant is likely to be disruptive.

Literature cited by the submitters: PubMed 30525118 (cited by 3billion and Labcorp Genetics (formerly Invitae), Labcorp).

NM_007198.4(PLPBP):c.199G>A (p.Glu67Lys)

Gene: PLPBP (pyridoxal phosphate binding protein; plus strand). Cytogenetic location: 8p11.23.
Variant type: single nucleotide variant.
Coding change: c.199G>A on transcript NM_007198.4 (MANE Select); coding-DNA position 199, G replaced by A.
Protein change: p.Glu67Lys; replaces glutamic acid 67 with lysine.
Molecular consequence: missense variant.
Genome position (GRCh38, 1-based): chr8:37,765,625, G>A. VCF-style: chr8-37765625-G-A. GRCh37 (hg19) VCF-style: chr8-37623143-G-A.
Other names: c.199G>A (NM_007198.3); c.199G>A, p.Glu67Lys (NM_001349346.2, NM_001349347.2); c.43G>A, p.Glu15Lys (NM_001349348.2); c.304G>A, p.Glu102Lys (NM_001349349.1); short protein forms E15K, E67K, E102K.
Identifiers: ClinVar variation 2159457 (VCV002159457.6), dbSNP rs903127278, ClinGen allele CA175032757.
Genomic context (GRCh38, chr8:37,765,625, plus strand): 5'-AAAACCAAACCTGCAGACATGGTGATCGAGGCCTATGGACATGGGCAGCGCACTTTTGGC[G>A]AGAACTACGTAAGAGCCCTTTCCTGAAGCCCTTTGGAAGCATCATGATTGCCAGGCTTCT-3'
Protein context (NP_009129.1, residues 57-77): AYGHGQRTFG[Glu67Lys]NYVQELLEKA